The following is an entry in ClinVar:

NM_138694.4(PKHD1):c.8158C>T (p.Pro2720Ser)

Gene: PKHD1 (PKHD1 ciliary IPT domain containing fibrocystin/polyductin; minus strand). Cytogenetic location: 6p12.2.
Variant type: single nucleotide variant.
Coding change: c.8158C>T on transcript NM_138694.4 (MANE Select); coding-DNA position 8158, C replaced by T.
Protein change: p.Pro2720Ser; replaces proline 2720 with serine.
Molecular consequence: missense variant.
Genome position (GRCh38, 1-based): chr6:51,836,419, G>A on the plus strand (C>T on the coding strand, the complement: PKHD1 is on the minus strand). VCF-style: chr6-51836419-G-A. GRCh37 (hg19) VCF-style: chr6-51701217-G-A.
Other names: c.8158C>T, p.Pro2720Ser (NM_170724.3); c.8158C>T (NM_138694.3); short protein forms P2720S.
Identifiers: ClinVar variation 596940 (VCV000596940.30), dbSNP rs374235991, ClinGen allele CA3851724.

ClinVar aggregate classification (germline): Uncertain significance. Review status: criteria provided, multiple submitters, no conflicts (2 of 4 stars). 4 submissions from 4 submitters: Uncertain significance (4). Last evaluated 2025-06-07.

Conditions:
Inborn genetic diseases. Identifiers: MedGen C0950123, MeSH D030342.

Allele frequency attached by ClinVar (database versions not stated): gnomAD exomes 0.00002 and 0.00004; TOPMed 0.00002; ExAC 0.00003; gnomAD 0.00003; ESP Exome Variant Server 0.00008.
gnomAD v4.1: 60 of 1,610,970 alleles (0.0037%); highest among the groups gnomAD compares: Non-Finnish European, 0.0047%; no homozygotes.

Submissions (4):

GeneDx
Classification: Uncertain significance. Last evaluated: 2025-06-07. Review status: criteria provided, single submitter. Criteria: GeneDx Variant Classification Process June 2021. Collection method: clinical testing. Allele origin: germline. Affected: yes.
Comment: Not observed at significant frequency in large population cohorts (gnomAD); In silico analysis supports that this missense variant has a deleterious effect on protein structure/function; Has not been previously published as pathogenic or benign to our knowledge

Ambry Genetics
Classification: Uncertain significance for Inborn genetic diseases. Last evaluated: 2024-05-13. Review status: criteria provided, single submitter. Criteria: Ambry Variant Classification Scheme 2023. Collection method: clinical testing. Allele origin: germline.

CeGaT Center for Human Genetics Tuebingen
Classification: Uncertain significance. Last evaluated: 2023-02-01. Review status: criteria provided, single submitter. Criteria: CeGaT Center For Human Genetics Tuebingen Variant Classification Criteria Version 2. Collection method: clinical testing. Allele origin: germline. Affected: yes. Observed: 1 variant allele.
Comment: PKHD1: PM2, BP4

Eurofins Ntd Llc (ga)
Classification: Uncertain significance. Last evaluated: 2018-04-20. Review status: criteria provided, single submitter. Criteria: EGL ClinVar v180209 classification definitions. Collection method: clinical testing. Allele origin: germline. Observed: 1 variant allele, 1 heterozygote.